The following is an entry in ClinVar:

NM_023110.3(FGFR1):c.2193G>A (p.Met731Ile)

Gene: FGFR1 (fibroblast growth factor receptor 1; minus strand). Cytogenetic location: 8p11.23.
Variant type: single nucleotide variant.
Coding change: c.2193G>A on transcript NM_023110.3 (MANE Select); coding-DNA position 2193, G replaced by A.
Protein change: p.Met731Ile; replaces methionine 731 with isoleucine.
Molecular consequence: missense variant.
Genome position (GRCh38, 1-based): chr8:38,414,017, C>T on the plus strand (G>A on the coding strand, the complement: FGFR1 is on the minus strand). VCF-style: chr8-38414017-C-T. GRCh37 (hg19) VCF-style: chr8-38271535-C-T.
Other names: c.2193G>A, p.Met731Ile (NM_000604.2); c.2187G>A, p.Met729Ile (NM_001174063.2, NM_001174065.2, NM_001354367.2 and 1 more transcripts); c.2163G>A, p.Met721Ile (NM_001174064.2); c.1926G>A, p.Met642Ile (NM_001174066.2, NM_023105.3); c.2286G>A, p.Met762Ile (NM_001174067.2); c.1914G>A, p.Met638Ile (NM_001354368.2); c.2181G>A, p.Met727Ile (NM_001354369.2, NM_001410922.1); c.1920G>A, p.Met640Ile (NM_001354370.2, NM_023106.3); short protein forms M638I, M640I, M642I, M721I, M727I, M729I, M731I, M762I.
Identifiers: ClinVar variation 2672236 (VCV002672236.1), dbSNP rs2150523849, ClinGen allele CA370728212.

ClinVar aggregate classification (germline): Uncertain significance (1 of 4 stars; one submission).

Conditions:
Pfeiffer syndrome type 1. Identifiers: Orphanet 93258, MedGen C5438812, MONDO:0019659.

Submission:

Clinical Genomics Laboratory, Washington University in St. Louis
Classification: Uncertain significance for Pfeiffer syndrome type 1. Last evaluated: 2023-08-26. Review status: criteria provided, single submitter. Criteria: ACMG Guidelines, 2015. Collection method: clinical testing. Allele origin: germline.
Comment: The FGFR1 c.2193G>A (p.Met731Ile) variant was identified at a near heterozygous allelic fraction. The FGFR1 c.2193G>A (p.Met731Ile) variant, to our knowledge, has not been reported in the medical literature. This variant is absent from the general population (gnomAD v.2.1.1), indicating it is not a common variant. Computational predictors indicate that the variant is damaging; however, functional evidence that correlates with the impact on FGFR1 function is lacking. Due to limited information and based on ACMG/AMP guidelines for variant interpretation (Richards S et al., PMID: 25741868), the clinical significance of this variant is uncertain at this time.